The following is an entry in ClinVar:

ClinVar aggregate classification (germline): Likely benign. Review status: criteria provided, multiple submitters, no conflicts (2 of 4 stars). 4 submissions from 4 submitters: Likely benign (3). 1 of the submissions does not count toward it. Last evaluated 2025-08-11.

Conditions:
Primary ciliary dyskinesia 15. Also called: CILIARY DYSKINESIA, PRIMARY, 15, WITH OR WITHOUT SITUS INVERSUS. Identifiers: Orphanet 244, MedGen C3151137, MONDO:0013435, OMIM 613808.
CCDC40-related disorder. Also called: CCDC40-related condition.
Primary ciliary dyskinesia. Also called: Ciliary dyskinesia. Identifiers: Orphanet 244, MedGen C0008780, MONDO:0016575, HP:0012265.

Allele frequency attached by ClinVar (database versions not stated): ExAC 0.00005; gnomAD exomes 0.00006; TOPMed 0.00006; ESP Exome Variant Server 0.00008; gnomAD 0.00010.
gnomAD v4.1: 76 of 1,613,830 alleles (0.0047%); highest among the groups gnomAD compares: Non-Finnish European, 0.0053%; no homozygotes.

Submissions (4):

Labcorp Genetics (formerly Invitae), Labcorp
Classification: Likely benign for Primary ciliary dyskinesia. Last evaluated: 2025-08-11. Review status: criteria provided, single submitter. Criteria: Invitae Variant Classification Sherloc (09022015). Collection method: clinical testing. Allele origin: germline.

Ambry Genetics
Classification: Likely benign for Primary ciliary dyskinesia. Last evaluated: 2022-11-10. Review status: criteria provided, single submitter. Criteria: Ambry Variant Classification Scheme 2023. Collection method: clinical testing. Allele origin: germline.

Fulgent Genetics
Classification: Likely benign for Primary ciliary dyskinesia 15. Last evaluated: 2022-04-12. Review status: criteria provided, single submitter. Criteria: ACMG Guidelines, 2015. Collection method: clinical testing. Allele origin: unknown.

PreventionGenetics, part of Exact Sciences
Classification: Likely benign for CCDC40-related condition. Last evaluated: 2019-05-01. Review status: no assertion criteria provided. Collection method: clinical testing. Allele origin: germline. Not counted in ClinVar's aggregate classification.
Comment: This variant is classified as likely benign based on ACMG/AMP sequence variant interpretation guidelines (Richards et al. 2015 PMID: 25741868, with internal and published modifications).

NM_017950.4(CCDC40):c.3114G>A (p.Ser1038=)

Gene: CCDC40 (coiled-coil domain 40 molecular ruler complex subunit; plus strand). Cytogenetic location: 17q25.3.
Variant type: single nucleotide variant.
Coding change: c.3114G>A on transcript NM_017950.4 (MANE Select); coding-DNA position 3114, G replaced by A.
Protein change: p.Ser1038=; no amino-acid change (serine 1038 retained).
Molecular consequence: synonymous variant.
Genome position (GRCh38, 1-based): chr17:80,097,337, G>A. VCF-style: chr17-80097337-G-A. GRCh37 (hg19) VCF-style: chr17-78071136-G-A.
Identifiers: ClinVar variation 696386 (VCV000696386.16), dbSNP rs372856318, ClinGen allele CA8814624.